The following is an entry in ClinVar:

ClinVar aggregate classification (germline): Benign (0 of 4 stars; one submission).

Conditions:
APAF1-related disorder. Also called: APAF1-related condition.

Allele frequency attached by ClinVar (database versions not stated): 1000 Genomes Project 0.00140; 1000 Genomes Project 30x 0.00141; TOPMed 0.00229; ESP Exome Variant Server 0.00246; gnomAD 0.00266; gnomAD exomes 0.00320; ExAC 0.00388.
gnomAD v4.1: 4,851 of 1,542,956 alleles (0.31%); highest among the groups gnomAD compares: Admixed American, 0.35%; 14 homozygotes.

Submission:

PreventionGenetics, part of Exact Sciences
Classification: Benign for APAF1-related condition. Last evaluated: 2019-07-11. Review status: no assertion criteria provided. Collection method: clinical testing. Allele origin: germline.
Comment: This variant is classified as benign based on ACMG/AMP sequence variant interpretation guidelines (Richards et al. 2015 PMID: 25741868, with internal and published modifications).

NM_181861.2(APAF1):c.*3T>C

Gene: APAF1 (apoptotic peptidase activating factor 1; plus strand). Cytogenetic location: 12q23.1.
Variant type: single nucleotide variant.
Coding change: c.*3T>C on transcript NM_181861.2 (MANE Select); 3 bases downstream of the stop codon, T replaced by C.
Molecular consequence: 3 prime UTR variant.
Genome position (GRCh38, 1-based): chr12:98,732,569, T>C. VCF-style: chr12-98732569-T-C. GRCh37 (hg19) VCF-style: chr12-99126347-T-C.
Other names: c.*3T>C (NM_001160.3, NM_013229.3, NM_181868.2); c.*88T>C (NM_181869.2).
Identifiers: ClinVar variation 3042071 (VCV003042071.2), dbSNP rs118102803, ClinGen allele CA6734619.